The following is an entry in ClinVar:

NM_002474.3(MYH11):c.5231A>T (p.Glu1744Val)

Genes: MYH11 (myosin heavy chain 11; minus strand), NDE1 (nudE neurodevelopment protein 1; plus strand). Cytogenetic location: 16p13.11.
Variant type: single nucleotide variant.
Coding change: c.5231A>T on transcript NM_002474.3 (MANE Select); coding-DNA position 5231, A replaced by T.
Protein change: p.Glu1744Val; replaces glutamic acid 1744 with valine.
Molecular consequence: missense variant. On other transcripts: intron variant (2).
Genome position (GRCh38, 1-based): chr16:15,718,379, T>A on the plus strand (A>T on the coding strand, the complement: MYH11 is on the minus strand). VCF-style: chr16-15718379-T-A. GRCh37 (hg19) VCF-style: chr16-15812236-T-A.
Other names: c.5252A>T, p.Glu1751Val (NM_001040113.2, NM_001040114.2); c.5231A>T, p.Glu1744Val (NM_022844.3); c.948-5812T>A (NM_001143979.2, NM_017668.3); short protein forms E1744V, E1751V.
Identifiers: ClinVar variation 3070407 (VCV003070407.1), dbSNP rs1438208747, ClinGen allele CA394850172.

ClinVar aggregate classification (germline): Uncertain significance (1 of 4 stars; one submission).

Conditions:
Familial thoracic aortic aneurysm and aortic dissection (TAAD). Also called: Thoracic aortic aneurysms and dissections. Identifiers: Orphanet 91387, MedGen C4707243, MONDO:0019625.

Allele frequency attached by ClinVar (database versions not stated): gnomAD exomes below 0.00001; gnomAD 0.00001; TOPMed 0.00001.
gnomAD v4.1: 7 of 1,605,506 alleles (0.00044%); highest among the groups gnomAD compares: South Asian, 0.0011%; no homozygotes.

Submission:

All of Us Research Program, National Institutes of Health
Classification: Uncertain significance for Familial thoracic aortic aneurysm and aortic dissection. Last evaluated: 2023-12-18. Review status: criteria provided, single submitter. Criteria: ACMG Guidelines, 2015. Collection method: clinical testing. Allele origin: germline. Inheritance: Autosomal dominant inheritance. Observed: 5 variant alleles, 5 heterozygotes.
Comment: This missense variant replaces glutamic acid with valine at codon 1751 of the MYH11 protein. Computational prediction suggests that this variant may have deleterious impact on protein structure and function (internally defined REVEL score threshold >= 0.7, PMID: 27666373). To our knowledge, functional studies have not been reported for this variant. This variant has not been reported in individuals affected with MYH11-related disorders in the literature. This variant has not been identified in the general population by the Genome Aggregation Database (gnomAD). The available evidence is insufficient to determine the role of this variant in disease conclusively. Therefore, this variant is classified as a Variant of Uncertain Significance.

This study involves interpretation of variants in research participants for the purpose of population health screening. Participant phenotype was not available at the time of variant classification. Additional details can be found in publication PMID: 35346344, PMCID: PMC8962531